The following is an entry in ClinVar:

ClinVar aggregate classification (germline): Uncertain significance (1 of 4 stars; one submission).

Conditions:
Hereditary cancer-predisposing syndrome. Also called: Tumor predisposition; Hereditary neoplastic syndrome; Hereditary Cancer Syndrome; Neoplastic Syndromes, Hereditary. Identifiers: Orphanet 140162, MedGen C0027672, MeSH D009386, MONDO:0015356.

Submission:

Ambry Genetics
Classification: Uncertain significance for Hereditary cancer-predisposing syndrome. Last evaluated: 2025-04-16. Review status: criteria provided, single submitter. Criteria: Ambry Variant Classification Scheme 2023. Collection method: clinical testing. Allele origin: germline.
Comment: The c.3220_3222delGATinsCAC variant (also known as p.D1074H), located in coding exon 22 of the PDGFRA gene, results from an in-frame deletion of GAT and insertion of CAC at nucleotide positions 3220 to 3222. This results in the substitution of the aspartic acid residue for a histidine residue at codon 1074, an amino acid with similar properties. This amino acid position is highly conserved in available vertebrate species. In addition, the in silico prediction for this alteration is inconclusive. Based on the available evidence, the clinical significance of this variant remains unclear.

NM_006206.6(PDGFRA):c.3220_3222delinsCAC (p.Asp1074His)

Gene: PDGFRA (platelet derived growth factor receptor alpha; plus strand). Cytogenetic location: 4q12.
Variant type: Indel.
Coding change: c.3220_3222delinsCAC on transcript NM_006206.6 (MANE Select); coding-DNA positions 3220 to 3222, GAT replaced by CAC.
Protein change: p.Asp1074His; replaces aspartic acid 1074 with histidine.
Molecular consequence: missense variant.
Genome position (GRCh38, 1-based): chr4:54,295,222-54,295,224, GAT replaced by CAC. VCF-style: chr4-54295222-GAT-CAC. GRCh37 (hg19) VCF-style: chr4-55161389-GAT-CAC.
Other names: c.3295_3297delinsCAC, p.Asp1099His (NM_001347828.2); c.3220_3222delinsCAC, p.Asp1074His (NM_001347829.2); c.3259_3261delinsCAC, p.Asp1087His (NM_001347830.2); short protein forms D1074H, D1087H, D1099H.
Identifiers: ClinVar variation 3930191 (VCV003930191.1).